The following is an entry in ClinVar:

ClinVar aggregate classification (germline): Uncertain significance. Review status: criteria provided, multiple submitters, no conflicts (2 of 4 stars). 3 submissions from 3 submitters: Uncertain significance (3). Last evaluated 2024-06-07.

Conditions:
Pseudohypoaldosteronism type 2C (PHA2C). Also called: Pseudohypoaldosteronism Type IIC. Identifiers: Orphanet 757, Orphanet 88940, MedGen C1840391, MONDO:0013778, OMIM 614492.
Neuropathy, hereditary sensory and autonomic, type 2A (HSAN2A). Also called: ACROOSTEOLYSIS, GIACCAI TYPE; ACROOSTEOLYSIS, NEUROGENIC; MORVAN DISEASE; NEUROPATHY, CONGENITAL SENSORY; NEUROPATHY, HEREDITARY SENSORY RADICULAR, AUTOSOMAL RECESSIVE; NEUROPATHY, HEREDITARY SENSORY, TYPE IIA. Identifiers: Orphanet 970, MedGen C2752089, MONDO:0024309, OMIM 201300.
Inborn genetic diseases. Identifiers: MedGen C0950123, MeSH D030342.

Allele frequency attached by ClinVar (database versions not stated): ESP Exome Variant Server 0.00008; gnomAD exomes below 0.00001 and 0.00002; TOPMed below 0.00001; gnomAD 0.00001; ExAC 0.00002.
gnomAD v4.1: 27 of 1,613,828 alleles (0.0017%); highest among the groups gnomAD compares: South Asian, 0.0022%; no homozygotes.

Submissions (3):

Labcorp Genetics (formerly Invitae), Labcorp
Classification: Uncertain significance for Neuropathy, hereditary sensory and autonomic, type 2A; Pseudohypoaldosteronism type 2C. Last evaluated: 2024-06-07. Review status: criteria provided, single submitter. Criteria: Invitae Variant Classification Sherloc (09022015). Collection method: clinical testing. Allele origin: germline.
Comment: This sequence change replaces methionine, which is neutral and non-polar, with valine, which is neutral and non-polar, at codon 964 of the WNK1 protein (p.Met964Val). This variant is present in population databases (rs377113516, gnomAD 0.002%). This variant has not been reported in the literature in individuals affected with WNK1-related conditions. ClinVar contains an entry for this variant (Variation ID: 1001031). Advanced modeling of protein sequence and biophysical properties (such as structural, functional, and spatial information, amino acid conservation, physicochemical variation, residue mobility, and thermodynamic stability) performed at Invitae indicates that this missense variant is not expected to disrupt WNK1 protein function with a negative predictive value of 95%. In summary, the available evidence is currently insufficient to determine the role of this variant in disease. Therefore, it has been classified as a Variant of Uncertain Significance.

Fulgent Genetics
Classification: Uncertain significance for Neuropathy, hereditary sensory and autonomic, type 2A; Pseudohypoaldosteronism type 2C. Last evaluated: 2022-04-20. Review status: criteria provided, single submitter. Criteria: ACMG Guidelines, 2015. Collection method: clinical testing. Allele origin: unknown.

Ambry Genetics
Classification: Uncertain significance for Inborn genetic diseases. Last evaluated: 2021-03-04. Review status: criteria provided, single submitter. Criteria: Ambry Variant Classification Scheme 2023. Collection method: clinical testing. Allele origin: germline.
Comment: The p.M964V variant (also known as c.2890A>G), located in coding exon 10 of the WNK1 gene, results from an A to G substitution at nucleotide position 2890. The methionine at codon 964 is replaced by valine, an amino acid with highly similar properties. This amino acid position is not well conserved in available vertebrate species, and valine is the reference amino acid in other vertebrate species. In addition, this alteration is predicted to be tolerated by in silico analysis. Since supporting evidence is limited at this time, the clinical significance of this alteration remains unclear.

NM_213655.5(WNK1):c.2890A>G (p.Met964Val)

Gene: WNK1 (WNK lysine deficient protein kinase 1; plus strand). Cytogenetic location: 12p13.33.
Variant type: single nucleotide variant.
Coding change: c.2890A>G on transcript NM_213655.5 (MANE Plus Clinical); coding-DNA position 2890, A replaced by G.
Protein change: p.Met964Val; replaces methionine 964 with valine.
Molecular consequence: missense variant. On other transcripts: intron variant (2).
Genome position (GRCh38, 1-based): chr12:868,361, A>G. VCF-style: chr12-868361-A-G. GRCh37 (hg19) VCF-style: chr12-977527-A-G.
Other names: c.2635A>G, p.Met879Val (NM_001184985.2); c.2140-2904A>G (NM_018979.4, NM_014823.3); short protein forms M879V, M964V.
Identifiers: ClinVar variation 1001031 (VCV001001031.11), dbSNP rs377113516, ClinGen allele CA6382259.
Genomic context (GRCh38, chr12:868,361, plus strand): 5'-GCCCGGGTGGCAGAACAGTATGAGGGCATTCCATACAACTCATCAGTACTGTCAAGTCCT[A>G]TGAAACAGATACCTGAACAGAAGCCAGTACAAGGGGGCCCTACTTCAAGTTCTGTCTTTG-3'
Protein context (NP_998820.3, residues 954-974): PYNSSVLSSP[Met964Val]KQIPEQKPVQ